The following is an entry in ClinVar:

NM_001355436.2(SPTB):c.5528G>A (p.Arg1843Gln)

Gene: SPTB (spectrin beta, erythrocytic; minus strand). Cytogenetic location: 14q23.3.
Variant type: single nucleotide variant.
Coding change: c.5528G>A on transcript NM_001355436.2 (MANE Select); coding-DNA position 5528, G replaced by A.
Protein change: p.Arg1843Gln; replaces arginine 1843 with glutamine.
Molecular consequence: missense variant.
Genome position (GRCh38, 1-based): chr14:64,772,605, C>T on the plus strand (G>A on the coding strand, the complement: SPTB is on the minus strand). VCF-style: chr14-64772605-C-T. GRCh37 (hg19) VCF-style: chr14-65239323-C-T.
Other names: p.Arg1843Gln; c.5528G>A, p.Arg1843Gln (NM_001024858.4, NM_001355437.2); short protein forms R1843Q.
Identifiers: ClinVar variation 2690135 (VCV002690135.5), dbSNP rs534004149, ClinGen allele CA7229941.

ClinVar aggregate classification (germline): Uncertain significance. Review status: criteria provided, multiple submitters, no conflicts (2 of 4 stars). 3 submissions from 3 submitters: Uncertain significance (3). Last evaluated 2025-01-24.

Allele frequency attached by ClinVar (database versions not stated): gnomAD exomes 0.00002; ExAC 0.00003; TOPMed 0.00005; gnomAD 0.00009; 1000 Genomes Project 30x 0.00109; 1000 Genomes Project 0.00120.
gnomAD v4.1: 48 of 1,610,188 alleles (0.003%); highest among the groups gnomAD compares: Admixed American, 0.033%; 1 homozygote.

Submissions (3):

Labcorp Genetics (formerly Invitae), Labcorp
Classification: Uncertain significance. Last evaluated: 2025-01-24. Review status: criteria provided, single submitter. Criteria: Invitae Variant Classification Sherloc (09022015). Collection method: clinical testing. Allele origin: germline.
Comment: This sequence change replaces arginine, which is basic and polar, with glutamine, which is neutral and polar, at codon 1843 of the SPTB protein (p.Arg1843Gln). This variant is present in population databases (rs534004149, gnomAD 0.009%). This missense change has been observed in individual(s) with spherocytosis (PMID: 35351432). ClinVar contains an entry for this variant (Variation ID: 2690135). An algorithm developed to predict the effect of missense changes on protein structure and function outputs the following: PolyPhen-2: "Benign". The glutamine amino acid residue is found in multiple mammalian species, which suggests that this missense change does not adversely affect protein function. In summary, the available evidence is currently insufficient to determine the role of this variant in disease. Therefore, it has been classified as a Variant of Uncertain Significance.

Mayo Clinic Laboratories, Mayo Clinic
Classification: Uncertain significance. Last evaluated: 2024-02-27. Review status: criteria provided, single submitter. Criteria: ACMG Guidelines, 2015. Collection method: clinical testing. Allele origin: germline. Observed: 1 variant allele.
Comment: BP4, PM2_moderate

Revvity Omics, Revvity
Classification: Uncertain significance. Last evaluated: 2023-06-14. Review status: criteria provided, single submitter. Criteria: ACMG Guidelines, 2015. Collection method: clinical testing. Allele origin: germline.

Literature cited by the submitters: PubMed 35351432 (cited by Labcorp Genetics (formerly Invitae), Labcorp and Mayo Clinic Laboratories, Mayo Clinic).